The following is an entry in ClinVar:

ClinVar aggregate classification (germline): Pathogenic (1 of 4 stars; one submission).

Conditions:
Nemaline myopathy 2 (NEM2). Also called: Nemaline myopathy 2, autosomal recessive. Identifiers: MedGen C1850569, MONDO:0009725, OMIM 256030.

Submission:

Rady Children's Institute for Genomic Medicine, Rady Children's Hospital San Diego
Classification: Pathogenic for NEMALINE MYOPATHY 2. Last evaluated: 2019-05-15. Review status: criteria provided, single submitter. Criteria: ACMG Guidelines, 2015. Collection method: clinical testing. Allele origin: germline. Affected: yes.
Comment: This variant affects the canonical splice donor site of intron 57 and is therefore predicted to interfere with splicing and result in loss of normal protein function. This variant has not been previously reported or functionally characterized in the literature to our knowledge. It is absent from the ExAC and gnomAD population databases and thus is presumed to be rare. Multiple splice prediction tools suggest this variant is likely to interfere with normal splicing. Based on the available evidence, the c.7956+1G>A variant is classified as Pathogenic.

NM_001164508.2(NEB):c.7956+1G>A

Gene: NEB (nebulin; minus strand). Cytogenetic location: 2q23.3.
Variant type: single nucleotide variant.
Coding change: c.7956+1G>A on transcript NM_001164508.2 (MANE Select); the canonical splice donor site of the intron after coding-DNA position 7956, G replaced by A.
Molecular consequence: splice donor variant.
Genome position (GRCh38, 1-based): chr2:151,643,817, C>T on the plus strand (G>A on the coding strand, the complement: NEB is on the minus strand). VCF-style: chr2-151643817-C-T. GRCh37 (hg19) VCF-style: chr2-152500331-C-T.
Other names: c.7956+1G>A (NM_004543.5, NM_001164507.2, NM_001271208.2).
Identifiers: ClinVar variation 986361 (VCV000986361.1), dbSNP rs2098919015, ClinGen allele CA348780483.